The following is an entry in ClinVar:

ClinVar aggregate classification (germline): Benign (1 of 4 stars; one submission).

Allele frequency attached by ClinVar (database versions not stated): gnomAD exomes 0.12021; gnomAD 0.14469; TOPMed 0.16155; 1000 Genomes Project 30x 0.19894; 1000 Genomes Project 0.19928.
gnomAD v4.1: 119,787 of 965,720 alleles (12%); highest among the groups gnomAD compares: East Asian, 34%; 9,810 homozygotes.

Submission:

Unidad de Genómica Garrahan, Hospital de Pediatría Garrahan
Classification: Benign. Last evaluated: 2024-01-24. Review status: criteria provided, single submitter. Criteria: ACMG Guidelines, 2015. Collection method: clinical testing. Allele origin: germline. Affected: no. Observed: 36 variant alleles.
Comment: This variant is classified as Benign based on local population frequency. This variant was detected in 38% of patients studied by a panel of primary immunodeficiencies. Number of patients: 36. Only high quality variants are reported.

NM_005337.5(NCKAP1L):c.3183+77A>G

Gene: NCKAP1L (NCK associated protein 1 like; plus strand). Cytogenetic location: 12q13.2.
Variant type: single nucleotide variant.
Coding change: c.3183+77A>G on transcript NM_005337.5 (MANE Select); 77 bases into the intron after coding-DNA position 3183, A replaced by G.
Molecular consequence: intron variant.
Genome position (GRCh38, 1-based): chr12:54,537,130, A>G. VCF-style: chr12-54537130-A-G. GRCh37 (hg19) VCF-style: chr12-54930914-A-G.
Other names: c.3033+77A>G (NM_001184976.2).
Identifiers: ClinVar variation 2688191 (VCV002688191.2), dbSNP rs2036067, ClinGen allele CA13688215.